The following is an entry in ClinVar:

ClinVar aggregate classification (germline): Pathogenic (1 of 4 stars; one submission).

Conditions:
Congenital adrenal hypoplasia, X-linked (AHC). Also called: ADRENAL HYPOPLASIA, CONGENITAL, WITH HYPOGONADOTROPIC HYPOGONADISM; Isolated X-Linked Adrenal Hypoplasia Congenita; X-linked AHC; X-Linked Adrenal Hypoplasia Congenita. Identifiers: Orphanet 95702, MedGen C0342482, MONDO:0010264, OMIM 300200. Disease mechanism: loss of function.
46,XY sex reversal 2. Also called: NR0B1-Related 46,XY CGD; NR0B1-related 46,XY complete gonadal dysgenesis; 46XY sex reversal 2, dosage-sensitive; 46,XY SEX REVERSAL, DAX1-RELATED; Dosage-sensitive sex reversal. Identifiers: MedGen C1848296, MONDO:0010226, OMIM 300018.

Submission:

Labcorp Genetics (formerly Invitae), Labcorp
Classification: Pathogenic for Congenital adrenal hypoplasia, X-linked; 46,XY sex reversal 2. Last evaluated: 2018-02-27. Review status: criteria provided, single submitter. Criteria: Invitae Variant Classification Sherloc (09022015). Collection method: clinical testing. Allele origin: germline.
Comment: For these reasons, this variant has been classified as Pathogenic. Loss-of-function variants in NR0B1 are known to be pathogenic (PMID: 7990958, 15841486). This variant has not been reported in the literature in individuals with NR0B1-related disease. This variant is not present in population databases (ExAC no frequency). This sequence change creates a premature translational stop signal (p.Tyr176*) in the NR0B1 gene. It is expected to result in an absent or disrupted protein product.

Literature cited by the submitters: PubMed 7990958; PubMed 15841486.

NM_000475.5(NR0B1):c.528C>G (p.Tyr176Ter)

Gene: NR0B1 (nuclear receptor subfamily 0 group B member 1; minus strand). Cytogenetic location: Xp21.2.
Variant type: single nucleotide variant.
Coding change: c.528C>G on transcript NM_000475.5 (MANE Select); coding-DNA position 528, C replaced by G.
Protein change: p.Tyr176Ter; replaces tyrosine 176 with a stop codon.
Molecular consequence: nonsense.
Genome position (GRCh38, 1-based): chrX:30,308,836, G>C on the plus strand (C>G on the coding strand, the complement: NR0B1 is on the minus strand). VCF-style: chrX-30308836-G-C. GRCh37 (hg19) VCF-style: chrX-30326953-G-C.
Other names: short protein forms Y176*.
Identifiers: ClinVar variation 579771 (VCV000579771.6), dbSNP rs767828388, ClinGen allele CA412548571.